The following is an entry in ClinVar:

ClinVar aggregate classification (germline): Uncertain significance. Review status: criteria provided, multiple submitters, no conflicts (2 of 4 stars). 2 submissions from 2 submitters: Uncertain significance (2). Last evaluated 2025-08-26.

Conditions:
VPS13B-related disorder. Also called: VPS13B-related condition.
Cohen syndrome (COH1). Also called: Cutis verticis gyrata, retinitis pigmentosa, and sensorineural deafness; PEPPER SYNDROME. Identifiers: Orphanet 193, MedGen C0265223, MONDO:0008999, OMIM 216550.

Allele frequency attached by ClinVar (database versions not stated): TOPMed below 0.00001; gnomAD 0.00001; ExAC 0.00002; gnomAD exomes 0.00002.
gnomAD v4.1: 11 of 1,614,062 alleles (0.00068%); highest among the groups gnomAD compares: Non-Finnish European, 0.00093%; no homozygotes.

Submissions (2):

PreventionGenetics, part of Exact Sciences
Classification: Uncertain significance for VPS13B-related condition. Last evaluated: 2025-08-26. Review status: criteria provided, single submitter. Criteria: ACMG Guidelines, 2015. Collection method: clinical testing. Allele origin: germline.
Comment: The VPS13B c.1118C>T variant is predicted to result in the amino acid substitution p.Ser373Leu. To our knowledge, this variant has not been reported in the literature. This variant is reported in 0.0035% of alleles in individuals of European (Non-Finnish) descent in gnomAD. At this time, the clinical significance of this variant is uncertain due to the absence of conclusive functional and genetic evidence.

Labcorp Genetics (formerly Invitae), Labcorp
Classification: Uncertain significance for Cohen syndrome. Last evaluated: 2022-11-01. Review status: criteria provided, single submitter. Criteria: Invitae Variant Classification Sherloc (09022015). Collection method: clinical testing. Allele origin: germline.
Comment: This sequence change replaces serine, which is neutral and polar, with leucine, which is neutral and non-polar, at codon 373 of the VPS13B protein (p.Ser373Leu). This variant is present in population databases (rs773391550, gnomAD 0.003%). This variant has not been reported in the literature in individuals affected with VPS13B-related conditions. ClinVar contains an entry for this variant (Variation ID: 1007175). Advanced modeling of protein sequence and biophysical properties (such as structural, functional, and spatial information, amino acid conservation, physicochemical variation, residue mobility, and thermodynamic stability) performed at Invitae indicates that this missense variant is not expected to disrupt VPS13B protein function. In summary, the available evidence is currently insufficient to determine the role of this variant in disease. Therefore, it has been classified as a Variant of Uncertain Significance.

NM_152564.5(VPS13B):c.1118C>T (p.Ser373Leu)

Gene: VPS13B (vacuolar protein sorting 13 homolog B; plus strand). Cytogenetic location: 8q22.2.
Variant type: single nucleotide variant.
Coding change: c.1118C>T on transcript NM_152564.5 (MANE Select); coding-DNA position 1118, C replaced by T.
Protein change: p.Ser373Leu; replaces serine 373 with leucine.
Molecular consequence: missense variant. On other transcripts: non-coding transcript variant (1).
Genome position (GRCh38, 1-based): chr8:99,121,357, C>T. VCF-style: chr8-99121357-C-T. GRCh37 (hg19) VCF-style: chr8-100133585-C-T.
Other names: c.1118C>T (NM_152564.4); c.1118C>T, p.Ser373Leu (NM_015243.3, NM_017890.5, NM_181661.3); short protein forms S373L.
Identifiers: ClinVar variation 1007175 (VCV001007175.6), dbSNP rs773391550, ClinGen allele CA4822548.